The following is an entry in ClinVar:

NM_005051.3(QARS1):c.1418C>T (p.Ala473Val)

Gene: QARS1 (glutaminyl-tRNA synthetase 1; minus strand). Cytogenetic location: 3p21.31.
Variant type: single nucleotide variant.
Coding change: c.1418C>T on transcript NM_005051.3 (MANE Select); coding-DNA position 1418, C replaced by T.
Protein change: p.Ala473Val; replaces alanine 473 with valine.
Molecular consequence: missense variant. On other transcripts: non-coding transcript variant (1).
Genome position (GRCh38, 1-based): chr3:49,099,618, G>A on the plus strand (C>T on the coding strand, the complement: QARS1 is on the minus strand). VCF-style: chr3-49099618-G-A. GRCh37 (hg19) VCF-style: chr3-49137051-G-A.
Other names: c.1385C>T, p.Ala462Val (NM_001272073.2); short protein forms A473V, A462V.
Identifiers: ClinVar variation 424612 (VCV000424612.10), dbSNP rs1064797070, ClinGen allele CA16617989.

ClinVar aggregate classification (germline): Uncertain significance. Review status: criteria provided, multiple submitters, no conflicts (2 of 4 stars). 2 submissions from 2 submitters: Uncertain significance (2). Last evaluated 2025-02-24.

Conditions:
Diffuse cerebral and cerebellar atrophy - intractable seizures - progressive microcephaly syndrome. Also called: Microcephaly, progressive, with seizures and cerebral and cerebellar atrophy. Identifiers: Orphanet 404437, MedGen C4014239, MONDO:0014335, OMIM 615760.

Allele frequency attached by ClinVar (database versions not stated): TOPMed 0.00001.
gnomAD v4.1: 37 of 1,614,026 alleles (0.0023%); highest among the groups gnomAD compares: Non-Finnish European, 0.0029%; no homozygotes.

Submissions (2):

Labcorp Genetics (formerly Invitae), Labcorp
Classification: Uncertain significance for Diffuse cerebral and cerebellar atrophy - intractable seizures - progressive microcephaly syndrome. Last evaluated: 2025-02-24. Review status: criteria provided, single submitter. Criteria: Invitae Variant Classification Sherloc (09022015). Collection method: clinical testing. Allele origin: germline.
Comment: This sequence change replaces alanine, which is neutral and non-polar, with valine, which is neutral and non-polar, at codon 473 of the QARS protein (p.Ala473Val). This variant is present in population databases (no rsID available, gnomAD 0.002%). This missense change has been observed in individual(s) with clinical features of QARS-related conditions (PMID: 33057194, 35982159). ClinVar contains an entry for this variant (Variation ID: 424612). Invitae Evidence Modeling of protein sequence and biophysical properties (such as structural, functional, and spatial information, amino acid conservation, physicochemical variation, residue mobility, and thermodynamic stability) has been performed for this missense variant. However, the output from this modeling did not meet the statistical confidence thresholds required to predict the impact of this variant on QARS protein function. In summary, the available evidence is currently insufficient to determine the role of this variant in disease. Therefore, it has been classified as a Variant of Uncertain Significance.

GeneDx
Classification: Uncertain significance. Last evaluated: 2021-04-02. Review status: criteria provided, single submitter. Criteria: GeneDx Variant Classification Process June 2021. Collection method: clinical testing. Allele origin: germline. Affected: yes.
Comment: Not observed at a significant frequency in large population cohorts (Lek et al., 2016); In silico analysis supports that this missense variant has a deleterious effect on protein structure/function; Has not been previously published as pathogenic or benign to our knowledge

Literature cited by the submitters: PubMed 33057194 (cited by Labcorp Genetics (formerly Invitae), Labcorp); PubMed 35982159 (cited by Labcorp Genetics (formerly Invitae), Labcorp).